The following is an entry in ClinVar:

NM_199242.3(UNC13D):c.2239A>G (p.Ser747Gly)

Gene: UNC13D (unc-13 homolog D; minus strand). Cytogenetic location: 17q25.1.
Variant type: single nucleotide variant.
Coding change: c.2239A>G on transcript NM_199242.3 (MANE Select); coding-DNA position 2239, A replaced by G.
Protein change: p.Ser747Gly; replaces serine 747 with glycine.
Molecular consequence: missense variant.
Genome position (GRCh38, 1-based): chr17:75,834,384, T>C on the plus strand (A>G on the coding strand, the complement: UNC13D is on the minus strand). VCF-style: chr17-75834384-T-C. GRCh37 (hg19) VCF-style: chr17-73830465-T-C.
Other names: short protein forms S747G.
Identifiers: ClinVar variation 2002695 (VCV002002695.4), dbSNP rs2545980033, ClinGen allele CA401088200.

ClinVar aggregate classification (germline): Uncertain significance (1 of 4 stars; one submission).

Conditions:
Familial hemophagocytic lymphohistiocytosis 3 (FHL3). Also called: UNC13D-Related Familial Hemophagocytic Lymphohistiocytosis (UNC13D-fHLH). Identifiers: Orphanet 540, MedGen C1837174, MONDO:0012146, OMIM 608898.

Submission:

Labcorp Genetics (formerly Invitae), Labcorp
Classification: Uncertain significance for Familial hemophagocytic lymphohistiocytosis 3. Last evaluated: 2022-06-07. Review status: criteria provided, single submitter. Criteria: Invitae Variant Classification Sherloc (09022015). Collection method: clinical testing. Allele origin: germline.
Comment: This sequence change replaces serine, which is neutral and polar, with glycine, which is neutral and non-polar, at codon 747 of the UNC13D protein (p.Ser747Gly). This variant is not present in population databases (gnomAD no frequency). This variant has not been reported in the literature in individuals affected with UNC13D-related conditions. Algorithms developed to predict the effect of missense changes on protein structure and function output the following: SIFT: "Not Available"; PolyPhen-2: "Benign"; Align-GVGD: "Not Available". The glycine amino acid residue is found in multiple mammalian species, which suggests that this missense change does not adversely affect protein function. In summary, the available evidence is currently insufficient to determine the role of this variant in disease. Therefore, it has been classified as a Variant of Uncertain Significance.